The following is an entry in ClinVar:

ClinVar aggregate classification (germline): Conflicting classifications of pathogenicity. Review status: criteria provided, conflicting classifications (1 of 4 stars). 3 submissions from 3 submitters: Uncertain significance (1); Likely benign (1). 1 of the submissions does not count toward it. Last evaluated 2026-01-18.

Conditions:
POLD1-related disorder. Also called: POLD1-related condition; POLD1-related disorders.
POLD1-related polyposis and colorectal cancer syndrome (CRCS10). Also called: COLORECTAL CANCER, SUSCEPTIBILITY TO, ON CHROMOSOME 19q; Colorectal cancer 10; Colorectal cancer, susceptibility to, 10. Identifiers: Orphanet 220460, MedGen C2675481, MONDO:0012953, OMIM 612591.

Allele frequency attached by ClinVar (database versions not stated): TOPMed 0.00002; gnomAD exomes 0.00003; ExAC 0.00005.
gnomAD v4.1: 62 of 1,608,858 alleles (0.0039%); highest among the groups gnomAD compares: South Asian, 0.0055%; no homozygotes.

Submissions (3):

Labcorp Genetics (formerly Invitae), Labcorp
Classification: Likely benign for POLD1-related polyposis and colorectal cancer syndrome. Last evaluated: 2026-01-18. Review status: criteria provided, single submitter. Criteria: Invitae Variant Classification Sherloc (09022015). Collection method: clinical testing. Allele origin: germline.

CeGaT Center for Human Genetics Tuebingen
Classification: Uncertain significance. Last evaluated: 2024-12-01. Review status: criteria provided, single submitter. Criteria: CeGaT Center For Human Genetics Tuebingen Variant Classification Criteria Version 2. Collection method: clinical testing. Allele origin: germline. Affected: yes. Observed: 1 variant allele.

PreventionGenetics, part of Exact Sciences
Classification: Likely benign for POLD1-related condition. Last evaluated: 2020-04-02. Review status: no assertion criteria provided. Collection method: clinical testing. Allele origin: germline. Not counted in ClinVar's aggregate classification.
Comment: This variant is classified as likely benign based on ACMG/AMP sequence variant interpretation guidelines (Richards et al. 2015 PMID: 25741868, with internal and published modifications).

NM_002691.4(POLD1):c.2717+7C>T

Gene: POLD1 (DNA polymerase delta 1, catalytic subunit; plus strand). Cytogenetic location: 19q13.33.
Variant type: single nucleotide variant.
Coding change: c.2717+7C>T on transcript NM_002691.4 (MANE Select); 7 bases into the intron after coding-DNA position 2717, C replaced by T.
Molecular consequence: intron variant.
Genome position (GRCh38, 1-based): chr19:50,415,597, C>T. VCF-style: chr19-50415597-C-T. GRCh37 (hg19) VCF-style: chr19-50918854-C-T.
Other names: c.2717+7C>T (LRG_785t1, NM_001256849.1); c.2795+7C>T (LRG_785t2, NM_001308632.1).
Identifiers: ClinVar variation 408082 (VCV000408082.26), dbSNP rs767410345, ClinGen allele CA9596619.